The following is an entry in ClinVar:

NM_006899.5(IDH3B):c.91G>A (p.Ala31Thr)

Gene: IDH3B (isocitrate dehydrogenase (NAD(+)) 3 non-catalytic subunit beta; minus strand). Cytogenetic location: 20p13.
Variant type: single nucleotide variant.
Coding change: c.91G>A on transcript NM_006899.5 (MANE Select); coding-DNA position 91, G replaced by A.
Protein change: p.Ala31Thr; replaces alanine 31 with threonine.
Molecular consequence: missense variant. On other transcripts: non-coding transcript variant (1).
Genome position (GRCh38, 1-based): chr20:2,663,951, C>T on the plus strand (G>A on the coding strand, the complement: IDH3B is on the minus strand). VCF-style: chr20-2663951-C-T. GRCh37 (hg19) VCF-style: chr20-2644597-C-T.
Other names: c.91G>A, p.Ala31Thr (NM_001258384.3, NM_001330763.2, NM_174855.4); short protein forms A31T.
Identifiers: ClinVar variation 1410945 (VCV001410945.6), dbSNP rs759336070, ClinGen allele CA9735412.

ClinVar aggregate classification (germline): Uncertain significance (1 of 4 stars; one submission).

Allele frequency attached by ClinVar (database versions not stated): ExAC 0.00001; gnomAD exomes 0.00001 and 0.00003; gnomAD 0.00002; TOPMed 0.00002.
gnomAD v4.1: 44 of 1,614,014 alleles (0.0027%); highest among the groups gnomAD compares: Non-Finnish European, 0.0036%; no homozygotes.

Submission:

Labcorp Genetics (formerly Invitae), Labcorp
Classification: Uncertain significance. Last evaluated: 2021-02-23. Review status: criteria provided, single submitter. Criteria: Invitae Variant Classification Sherloc (09022015). Collection method: clinical testing. Allele origin: germline.
Comment: In summary, the available evidence is currently insufficient to determine the role of this variant in disease. Therefore, it has been classified as a Variant of Uncertain Significance. This sequence change replaces alanine with threonine at codon 31 of the IDH3B protein (p.Ala31Thr). The alanine residue is weakly conserved and there is a small physicochemical difference between alanine and threonine. This variant is present in population databases (rs759336070, ExAC 0.002%). This variant has not been reported in the literature in individuals with IDH3B-related conditions. Algorithms developed to predict the effect of missense changes on protein structure and function output the following: SIFT: "Not Available"; PolyPhen-2: "Benign"; Align-GVGD: "Not Available". The threonine amino acid residue is found in multiple mammalian species, suggesting that this missense change does not adversely affect protein function. These predictions have not been confirmed by published functional studies and their clinical significance is uncertain.